The following is an entry in ClinVar:

ClinVar aggregate classification (germline): Uncertain significance (1 of 4 stars; one submission).

Allele frequency attached by ClinVar (database versions not stated): TOPMed below 0.00001.

Submission:

GeneDx
Classification: Uncertain significance. Last evaluated: 2023-03-16. Review status: criteria provided, single submitter. Criteria: GeneDx Variant Classification Process June 2021. Collection method: clinical testing. Allele origin: germline. Affected: yes.
Comment: Not observed at significant frequency in large population cohorts (gnomAD); In silico analysis supports that this missense variant has a deleterious effect on protein structure/function; Has not been previously published as pathogenic or benign to our knowledge

NM_002067.5(GNA11):c.71A>T (p.Glu24Val)

Gene: GNA11 (G protein subunit alpha 11; plus strand). Cytogenetic location: 19p13.3.
Variant type: single nucleotide variant.
Coding change: c.71A>T on transcript NM_002067.5 (MANE Select); coding-DNA position 71, A replaced by T.
Protein change: p.Glu24Val; replaces glutamic acid 24 with valine.
Molecular consequence: missense variant.
Genome position (GRCh38, 1-based): chr19:3,094,722, A>T. VCF-style: chr19-3094722-A-T. GRCh37 (hg19) VCF-style: chr19-3094720-A-T.
Other names: short protein forms E24V.
Identifiers: ClinVar variation 2579776 (VCV002579776.1), dbSNP rs1913318572, ClinGen allele CA403299691.